The following is an entry in ClinVar:

NM_006393.3(NEBL):c.481A>G (p.Ile161Val)

Gene: NEBL (nebulette; minus strand). Cytogenetic location: 10p12.31.
Variant type: single nucleotide variant.
Coding change: c.481A>G on transcript NM_006393.3 (MANE Select); coding-DNA position 481, A replaced by G.
Protein change: p.Ile161Val; replaces isoleucine 161 with valine.
Molecular consequence: missense variant. On other transcripts: intron variant (9).
Genome position (GRCh38, 1-based): chr10:20,869,841, T>C on the plus strand (A>G on the coding strand, the complement: NEBL is on the minus strand). VCF-style: chr10-20869841-T-C. GRCh37 (hg19) VCF-style: chr10-21158770-T-C.
Other names: c.250-56901A>G (NM_001377326.1, NM_001377327.1, NM_001377328.1); c.358-56901A>G (NM_213569.2, NM_001173484.2, NM_001377322.1); c.301-56901A>G (NM_001377324.1); c.292-56901A>G (NM_001377325.1); c.310-56901A>G (NM_001377323.1); short protein forms I161V.
Identifiers: ClinVar variation 4711006 (VCV004711006.1).

ClinVar aggregate classification (germline): Uncertain significance (1 of 4 stars; one submission).

Conditions:
Primary dilated cardiomyopathy (DCM). Also called: Dilated Cardiomyopathy. Identifiers: Orphanet 217604, MedGen C0007193, MeSH D002311, MONDO:0005021, HP:0001644. Inheritance: Various modes of inheritance.

Submission:

Labcorp Genetics (formerly Invitae), Labcorp
Classification: Uncertain significance for Primary dilated cardiomyopathy. Last evaluated: 2025-04-09. Review status: criteria provided, single submitter. Criteria: Invitae Variant Classification Sherloc (09022015). Collection method: clinical testing. Allele origin: germline.
Comment: This sequence change replaces isoleucine, which is neutral and non-polar, with valine, which is neutral and non-polar, at codon 161 of the NEBL protein (p.Ile161Val). This variant is not present in population databases (gnomAD no frequency). This variant has not been reported in the literature in individuals affected with NEBL-related conditions. An algorithm developed to predict the effect of missense changes on protein structure and function outputs the following: PolyPhen-2: "Benign". The valine amino acid residue is found in multiple mammalian species, which suggests that this missense change does not adversely affect protein function. In summary, the available evidence is currently insufficient to determine the role of this variant in disease. Therefore, it has been classified as a Variant of Uncertain Significance.